The following is an entry in ClinVar:

NM_005762.3(TRIM28):c.1292C>T (p.Pro431Leu)

Gene: TRIM28 (tripartite motif containing 28; plus strand). Cytogenetic location: 19q13.43.
Variant type: single nucleotide variant.
Coding change: c.1292C>T on transcript NM_005762.3 (MANE Select); coding-DNA position 1292, C replaced by T.
Protein change: p.Pro431Leu; replaces proline 431 with leucine.
Molecular consequence: missense variant.
Genome position (GRCh38, 1-based): chr19:58,548,561, C>T. VCF-style: chr19-58548561-C-T. GRCh37 (hg19) VCF-style: chr19-59059928-C-T.
Other names: short protein forms P431L.
Identifiers: ClinVar variation 4706795 (VCV004706795.1).

ClinVar aggregate classification (germline): Uncertain significance (1 of 4 stars; one submission).

gnomAD v4.1: 9 of 1,613,666 alleles (0.00056%); highest among the groups gnomAD compares: East Asian, 0.016%; no homozygotes.

Submission:

Labcorp Genetics (formerly Invitae), Labcorp
Classification: Uncertain significance. Last evaluated: 2025-03-19. Review status: criteria provided, single submitter. Criteria: Invitae Variant Classification Sherloc (09022015). Collection method: clinical testing. Allele origin: germline.
Comment: This sequence change replaces proline, which is neutral and non-polar, with leucine, which is neutral and non-polar, at codon 431 of the TRIM28 protein (p.Pro431Leu). This variant is present in population databases (rs777538129, gnomAD 0.01%). This variant has not been reported in the literature in individuals affected with TRIM28-related conditions. Experimental studies and prediction algorithms are not available or were not evaluated, and the functional significance of this variant is currently unknown. In summary, the available evidence is currently insufficient to determine the role of this variant in disease. Therefore, it has been classified as a Variant of Uncertain Significance.